The following is an entry in ClinVar:

ClinVar aggregate classification (germline): Uncertain significance. Review status: criteria provided, multiple submitters, no conflicts (2 of 4 stars). 5 submissions from 5 submitters: Uncertain significance (5). Last evaluated 2025-09-10.

Conditions:
BLOOD GROUP--SWANN SYSTEM (SW). Also called: SWANN BLOOD GROUP. Identifiers: MedGen C1832169, OMIM 601550.
BLOOD GROUP, WALDNER (WD). Also called: WALDNER BLOOD GROUP ANTIGEN. Identifiers: MedGen C1862191, OMIM 112010.
BLOOD GROUP--FROESE (FR). Also called: FROESE BLOOD GROUP ANTIGEN. Identifiers: MedGen C1832168, OMIM 601551.
BLOOD GROUP--WRIGHT ANTIGEN (WR). Identifiers: MedGen C1862190, OMIM 112050.
Hereditary spherocytosis type 4. Also called: SLC4A1-Related Spherocytosis. Identifiers: Orphanet 822, MedGen C2675212, MONDO:0012981, OMIM 612653.
BLOOD GROUP--DIEGO SYSTEM (DI). Identifiers: MedGen C1292286, OMIM 110500.
Cryohydrocytosis. Also called: STOMATOCYTOSIS, COLD-SENSITIVE; CRYOHYDROCYTOSIS DUE TO BAND 3 HEMEL; CRYOHYDROCYTOSIS DUE TO BAND 3 HURSTPIERPOINT; CRYOHYDROCYTOSIS DUE TO BAND 3 BLACKBURN; Hereditary cryohydrocytosis with normal stomatin. Identifiers: Orphanet 398088, MedGen C1861453, MONDO:0008494, OMIM 185020.
Autosomal dominant distal renal tubular acidosis (DRTA1). Also called: RENAL TUBULAR ACIDOSIS, DISTAL, 1; RTA, CLASSIC TYPE; RTA, DISTAL TYPE, AUTOSOMAL DOMINANT; RTA, GRADIENT TYPE; Renal Tubular Acidosis, Type I. Identifiers: Orphanet 93608, MedGen CN280572, MONDO:0008368, OMIM 179800.
Renal tubular acidosis, distal, 4, with hemolytic anemia. Also called: Renal Tubular Acidosis, Distal, with Hemolytic Anemia. Identifiers: Orphanet 93610, MedGen C5436235, MONDO:0012700, OMIM 611590.
Southeast Asian ovalocytosis. Also called: HE, STOMATOCYTIC; Elliptocytosis 4; Stomatocytic elliptocytosis, hereditary; Ovalocytosis, Malaysian-Melanesian-Filipino type. Identifiers: Orphanet 98868, MedGen C1862322, MONDO:0008165, OMIM 166900.
Malaria, susceptibility to. Identifiers: Orphanet 673, MedGen C1970028, MONDO:0021024, OMIM 611162.

Allele frequency attached by ClinVar (database versions not stated): gnomAD 0.00009; ESP Exome Variant Server 0.00015.
gnomAD v4.1: 142 of 1,074,576 alleles (0.013%); highest among the groups gnomAD compares: Non-Finnish European, 0.017%; no homozygotes.

Submissions (5):

Labcorp Genetics (formerly Invitae), Labcorp
Classification: Uncertain significance. Last evaluated: 2025-09-10. Review status: criteria provided, single submitter. Criteria: Invitae Variant Classification Sherloc (09022015). Collection method: clinical testing. Allele origin: germline.
Comment: This sequence change replaces threonine, which is neutral and polar, with methionine, which is neutral and non-polar, at codon 686 of the SLC4A1 protein (p.Thr686Met). This variant is present in population databases (rs143131877, gnomAD 0.02%). This missense change has been observed in individual(s) with clinical features of spherocytosis (PMID: 32071839). ClinVar contains an entry for this variant (Variation ID: 1426253). An algorithm developed to predict the effect of missense changes on protein structure and function (PolyPhen-2) suggests that this variant is likely to be disruptive. In summary, the available evidence is currently insufficient to determine the role of this variant in disease. Therefore, it has been classified as a Variant of Uncertain Significance.

GeneDx
Classification: Uncertain significance. Last evaluated: 2024-12-05. Review status: criteria provided, single submitter. Criteria: GeneDx Variant Classification Process June 2021. Collection method: clinical testing. Allele origin: germline. Affected: yes.
Comment: Observed in a patient with spherocytosis in published literature (PMID: 32071839); In silico analysis supports that this missense variant has a deleterious effect on protein structure/function; This variant is associated with the following publications: (PMID: 34426522, 32071839, 35443567)

Fulgent Genetics
Classification: Uncertain significance for BLOOD GROUP--DIEGO SYSTEM; BLOOD GROUP, WALDNER; BLOOD GROUP--WRIGHT ANTIGEN; Southeast Asian ovalocytosis; Autosomal dominant distal renal tubular acidosis; Cryohydrocytosis; BLOOD GROUP--SWANN SYSTEM; BLOOD GROUP--FROESE; Malaria, susceptibility to; Renal tubular acidosis, distal, 4, with hemolytic anemia; Hereditary spherocytosis type 4. Last evaluated: 2024-04-02. Review status: criteria provided, single submitter. Criteria: ACMG Guidelines, 2015. Collection method: clinical testing. Allele origin: germline.

Revvity Omics, Revvity
Classification: Uncertain significance. Last evaluated: 2023-12-28. Review status: criteria provided, single submitter. Criteria: ACMG Guidelines, 2015. Collection method: clinical testing. Allele origin: germline.

Mayo Clinic Laboratories, Mayo Clinic
Classification: Uncertain significance. Last evaluated: 2022-04-18. Review status: criteria provided, single submitter. Criteria: ACMG Guidelines, 2015. Collection method: clinical testing. Allele origin: germline. Observed: 1 variant allele.
Comment: PP3, PM1

Literature cited by the submitters: PubMed 32071839 (cited by Labcorp Genetics (formerly Invitae), Labcorp).

NM_000342.4(SLC4A1):c.2057C>T (p.Thr686Met)

Gene: SLC4A1 (solute carrier family 4 member 1 (Diego blood group); minus strand). Cytogenetic location: 17q21.31.
Variant type: single nucleotide variant.
Coding change: c.2057C>T on transcript NM_000342.4 (MANE Select); coding-DNA position 2057, C replaced by T.
Protein change: p.Thr686Met; replaces threonine 686 with methionine.
Molecular consequence: missense variant.
Genome position (GRCh38, 1-based): chr17:44,254,496, G>A on the plus strand (C>T on the coding strand, the complement: SLC4A1 is on the minus strand). VCF-style: chr17-44254496-G-A. GRCh37 (hg19) VCF-style: chr17-42331864-G-A.
Other names: p.Thr686Met; c.2057C>T (NM_000342.3); short protein forms T686M.
Identifiers: ClinVar variation 1426253 (VCV001426253.14), dbSNP rs143131877, ClinGen allele CA8600141.
Genomic context (GRCh38, chr17:44,254,496, plus strand): 5'-TGCCAGGGAAAGGTCCCTGCCTCCCACCCTCCCAGGCCCAGCCCCCACCCTGTCTCTCAC[G>A]TGGTGATCTGAGACTCCAGGAATATGAGGATGAAGACCAGCAGAGCAGGCAGGGCGGAGG-3'
Protein context (NP_000333.1, residues 676-696): ILIFLESQIT[Thr686Met]LIVSKPERKM